The following is an entry in ClinVar:

NM_032578.4(MYPN):c.1130G>A (p.Arg377Gln)

Gene: MYPN (myopalladin; plus strand). Cytogenetic location: 10q21.3.
Variant type: single nucleotide variant.
Coding change: c.1130G>A on transcript NM_032578.4 (MANE Select); coding-DNA position 1130, G replaced by A.
Protein change: p.Arg377Gln; replaces arginine 377 with glutamine.
Molecular consequence: missense variant. On other transcripts: non-coding transcript variant (2).
Genome position (GRCh38, 1-based): chr10:68,145,526, G>A. VCF-style: chr10-68145526-G-A. GRCh37 (hg19) VCF-style: chr10-69905283-G-A.
Other names: p.R377Q:CGA>CAA; c.1130G>A, p.Arg377Gln (NM_001256267.2); c.248G>A, p.Arg83Gln (NM_001256268.2); short protein forms R377Q, R83Q.
Identifiers: ClinVar variation 191749 (VCV000191749.68), dbSNP rs147596628, ClinGen allele CA237448.

ClinVar aggregate classification (germline): Conflicting classifications of pathogenicity. Review status: criteria provided, conflicting classifications (1 of 4 stars). 13 submissions from 13 submitters: Uncertain significance (5); Likely benign (8). Last evaluated 2026-03-11.

Conditions:
Cardiovascular phenotype. Identifiers: MedGen CN230736.
MYPN-related disorder. Also called: MYPN-related condition.
Dilated cardiomyopathy 1KK (CMD1KK). Identifiers: Orphanet 154, Orphanet 75249, MedGen C3714995, MONDO:0014100, OMIM 615248.
Cardiomyopathy (CMYO). Also called: Cardiomyopathies. Identifiers: Orphanet 167848, MedGen C0878544, MONDO:0004994, HP:0001638. Inheritance: Various modes of inheritance.

Allele frequency attached by ClinVar (database versions not stated): 1000 Genomes Project 0.00020; 1000 Genomes Project 30x 0.00031; ExAC 0.00049; gnomAD exomes 0.00053 and 0.00095; TOPMed 0.00054; gnomAD 0.00056 and 0.00058; ESP Exome Variant Server 0.00077.
gnomAD v4.1: 1,441 of 1,611,770 alleles (0.089%); highest among the groups gnomAD compares: Non-Finnish European, 0.11%; 3 homozygotes.

Submissions (13):

PreventionGenetics, part of Exact Sciences
Classification: Likely benign for MYPN-related condition. Last evaluated: 2026-03-11. Review status: criteria provided, single submitter. Criteria: ACMG Guidelines, 2015. Collection method: clinical testing. Allele origin: germline.
Comment: This variant is classified as likely benign based on ACMG/AMP sequence variant interpretation guidelines (Richards et al. 2015 PMID: 25741868, with internal and published modifications).

Labcorp Genetics (formerly Invitae), Labcorp
Classification: Likely benign for Dilated cardiomyopathy 1KK. Last evaluated: 2026-01-26. Review status: criteria provided, single submitter. Criteria: Invitae Variant Classification Sherloc (09022015). Collection method: clinical testing. Allele origin: germline.

Women's Health and Genetics/Laboratory Corporation of America, LabCorp
Classification: Likely benign. Last evaluated: 2025-12-12. Review status: criteria provided, single submitter. Criteria: LabCorp Variant Classification Summary - May 2015. Collection method: clinical testing. Allele origin: germline.
Comment: Variant summary: MYPN c.1130G>A (p.Arg377Gln) results in a conservative amino acid change in the encoded protein sequence. Algorithms developed to predict the effect of missense changes on protein structure and function are either unavailable or do not agree on the potential impact of this missense change. The variant allele was found at a frequency of 0.00053 in 251008 control chromosomes. The observed variant frequency exceeds the estimated maximal expected allele frequency for disease-causing variants in MYPN. c.1130G>A has been observed in at least two individuals affected with Dilated Cardiomyopathy without strong evidence for causality (e.g. Pena-Pena_2021, Khan_2022). These reports do not provide unequivocal conclusions about association of the variant with Cardiomyopathy. To our knowledge, no experimental evidence demonstrating an impact on protein function has been reported. The following publications have been ascertained in the context of this evaluation (PMID: 34935411, 32826072). ClinVar contains an entry for this variant (Variation ID: 191749). Based on the evidence outlined above, the variant was classified as likely benign.

Blueprint Genetics
Classification: Likely benign. Last evaluated: 2024-11-19. Review status: criteria provided, single submitter. Criteria: ACMG Guidelines, 2015. Collection method: clinical testing. Allele origin: germline.

Revvity Omics, Revvity
Classification: Uncertain significance. Last evaluated: 2024-07-18. Review status: criteria provided, single submitter. Criteria: ACMG Guidelines, 2015. Collection method: clinical testing. Allele origin: germline.

CeGaT Center for Human Genetics Tuebingen
Classification: Likely benign. Last evaluated: 2023-10-01. Review status: criteria provided, single submitter. Criteria: CeGaT Center For Human Genetics Tuebingen Variant Classification Criteria Version 2. Collection method: clinical testing. Allele origin: germline. Affected: yes. Observed: 2 variant alleles.
Comment: MYPN: BP4

GeneDx
Classification: Likely benign. Last evaluated: 2021-05-12. Review status: criteria provided, single submitter. Criteria: GeneDx Variant Classification Process June 2021. Collection method: clinical testing. Allele origin: germline. Affected: yes.
Comment: In silico analysis, which includes protein predictors and evolutionary conservation, supports that this variant does not alter protein structure/function; Reported in ClinVar (ClinVar Variant ID# 191749; Landrum et al., 2016); This variant is associated with the following publications: (PMID: 23861362, 28050010)

Mayo Clinic Laboratories, Mayo Clinic
Classification: Uncertain significance. Last evaluated: 2021-04-30. Review status: criteria provided, single submitter. Criteria: ACMG Guidelines, 2015. Collection method: clinical testing. Allele origin: germline.

Ambry Genetics
Classification: Likely benign for Cardiovascular phenotype. Last evaluated: 2019-03-05. Review status: criteria provided, single submitter. Criteria: Ambry Variant Classification Scheme 2023. Collection method: clinical testing. Allele origin: germline.

Center for Advanced Laboratory Medicine, UC San Diego Health, University of California San Diego
Classification: Likely benign for Cardiomyopathy. Last evaluated: 2019-01-10. Review status: criteria provided, single submitter. Criteria: ACMG Guidelines, 2015. Collection method: clinical testing. Allele origin: germline. Affected: yes. Observed: 1 variant allele.

Genome Diagnostics Laboratory, University Medical Center Utrecht
Classification: Uncertain significance for Dilated cardiomyopathy 1KK. Last evaluated: 2015-12-11. Review status: criteria provided, single submitter. Criteria: ACGS Guidelines, 2013. Collection method: clinical testing. Allele origin: germline. Affected: yes. Study: VKGL Data-share Consensus.

Laboratory for Molecular Medicine, Mass General Brigham Personalized Medicine
Classification: Uncertain significance. Last evaluated: 2015-04-09. Review status: criteria provided, single submitter. Criteria: LMM Criteria. Collection method: clinical testing. Allele origin: germline. Observed: 1 variant allele.
Comment: The p.Arg377Gln variant in MYPN has not been previously reported in individuals with cardiomyopathy, but has been identified in 0.1% (13/11570) of Latino chromo somes and 43/66674 European chromosomes by the Exome Aggregation Consortium (ExA C; dbSNP rs147596628). Computational prediction tools and conservation analysis suggest that this variant may not impact the pro tein, though this information is not predictive enough to rule out pathogenicity . This variant is located in the last base of the exon, which is part of the 5' splice region. Computational tools do suggest an impact to splicing; however, th is information is not predictive enough to determine pathogenicity. In summary, in the presence of conflicting data, the clinical significance of the p.Arg377Gl n variant is uncertain.

Biesecker Lab/Clinical Genomics Section, National Institutes of Health
Classification: Uncertain significance. Last evaluated: 2013-06-24. Review status: criteria provided, single submitter. Criteria: Ng et al. (Circ Cardiovasc Genet. 2013). Collection method: research. Allele origin: unknown. Observed: 1 variant allele. Study: ClinSeq.
Comment: The study set was not selected for affection status in relation to any cancer. Pathogenicity categories were based on literature curation. See Pubmed ID:23861362 for details.

Medical sequencing

Literature cited by the submitters: PubMed 34935411 (cited by Women's Health and Genetics/Laboratory Corporation of America, LabCorp); PubMed 32826072 (cited by Women's Health and Genetics/Laboratory Corporation of America, LabCorp).